The following is an entry in ClinVar:

ClinVar aggregate classification (germline): Uncertain significance (1 of 4 stars; one submission).

Submission:

GeneDx
Classification: Uncertain significance. Last evaluated: 2025-08-12. Review status: criteria provided, single submitter. Criteria: GeneDx Variant Classification Process June 2021. Collection method: clinical testing. Allele origin: germline. Affected: yes.
Comment: In silico analysis supports a deleterious effect on splicing; Has not been previously published as pathogenic or benign to our knowledge; No data available from control populations to assess the frequency of this variant; Located in a regulatory region; in the absence of functional studies, the actual effect of this sequence change is unknown

NM_006624.7(ZMYND11):c.-20+4_-20+5delinsAT

Gene: ZMYND11 (zinc finger MYND-type containing 11; plus strand). Cytogenetic location: 10p15.3.
Variant type: Indel.
Coding change: c.-20+4_-20+5delinsAT on transcript NM_006624.7; bases 4 to 5 of the intron after 20 bases upstream of the start codon, CG replaced by AT.
Molecular consequence: intron variant.
Genome position (GRCh38, 1-based): chr10:134,790-134,791, CG replaced by AT. VCF-style: chr10-134790-CG-AT. GRCh37 (hg19) VCF-style: chr10-180730-CG-AT.
Other names: c.-20+4455_-20+4456delinsAT (NM_001370103.2); c.-20+415_-20+416delinsAT (NM_001370104.2); c.-20+4_-20+5delinsAT (NM_001370119.2, NM_001370105.2); c.-5+4_-5+5delinsAT (NM_001370118.2).
Identifiers: ClinVar variation 4795763 (VCV004795763.1).